The following is an entry in ClinVar:

ClinVar aggregate classification (germline): Uncertain significance (1 of 4 stars; one submission).

Conditions:
Mitochondrial complex II deficiency, nuclear type 1. Also called: SUCCINATE CoQ REDUCTASE DEFICIENCY. Identifiers: Orphanet 3208, MedGen C5700310, MONDO:0100294, OMIM 252011.
Pheochromocytoma/paraganglioma syndrome 5. Also called: Paragangliomas 5; SDHA-Related Hereditary Paraganglioma-Pheochromocytoma Syndrome. Identifiers: Orphanet 29072, MedGen C3279992, MONDO:0013602, OMIM 614165.

Submission:

Labcorp Genetics (formerly Invitae), Labcorp
Classification: Uncertain significance for Pheochromocytoma/paraganglioma syndrome 5; Mitochondrial complex II deficiency, nuclear type 1. Last evaluated: 2025-08-25. Review status: criteria provided, single submitter. Criteria: Invitae Variant Classification Sherloc (09022015). Collection method: clinical testing. Allele origin: germline.
Comment: This sequence change replaces serine, which is neutral and polar, with glycine, which is neutral and non-polar, at codon 470 of the SDHA protein (p.Ser470Gly). This variant is not present in population databases (gnomAD no frequency). This variant has not been reported in the literature in individuals affected with SDHA-related conditions. Invitae Evidence Modeling of protein sequence and biophysical properties (such as structural, functional, and spatial information, amino acid conservation, physicochemical variation, residue mobility, and thermodynamic stability) indicates that this missense variant is not expected to disrupt SDHA protein function with a negative predictive value of 95%. In summary, the available evidence is currently insufficient to determine the role of this variant in disease. Therefore, it has been classified as a Variant of Uncertain Significance.

NM_004168.4(SDHA):c.1408A>G (p.Ser470Gly)

Gene: SDHA (succinate dehydrogenase complex flavoprotein subunit A; plus strand). Cytogenetic location: 5p15.33.
Variant type: single nucleotide variant.
Coding change: c.1408A>G on transcript NM_004168.4 (MANE Select); coding-DNA position 1408, A replaced by G.
Protein change: p.Ser470Gly; replaces serine 470 with glycine.
Molecular consequence: missense variant.
Genome position (GRCh38, 1-based): chr5:236,575, A>G. VCF-style: chr5-236575-A-G. GRCh37 (hg19) VCF-style: chr5-236690-A-G.
Other names: c.1264A>G, p.Ser422Gly (NM_001294332.2); c.1408A>G, p.Ser470Gly (NM_001330758.2); short protein forms S470G, S422G.
Identifiers: ClinVar variation 4789761 (VCV004789761.1).